The following is an entry in ClinVar:

NM_000257.4(MYH7):c.854T>C (p.Ile285Thr)

Gene: MYH7 (myosin heavy chain 7; minus strand). Cytogenetic location: 14q11.2.
Variant type: single nucleotide variant.
Coding change: c.854T>C on transcript NM_000257.4 (MANE Select); coding-DNA position 854, T replaced by C.
Protein change: p.Ile285Thr; replaces isoleucine 285 with threonine.
Molecular consequence: missense variant.
Genome position (GRCh38, 1-based): chr14:23,430,942, A>G on the plus strand (T>C on the coding strand, the complement: MYH7 is on the minus strand). VCF-style: chr14-23430942-A-G. GRCh37 (hg19) VCF-style: chr14-23900151-A-G.
Other names: short protein forms I285T.
Identifiers: ClinVar variation 506187 (VCV000506187.6), dbSNP rs1555338574, ClinGen allele CA389051898.

ClinVar aggregate classification (germline): Likely pathogenic (1 of 4 stars; one submission).

Conditions:
Primary dilated cardiomyopathy (DCM). Also called: Dilated Cardiomyopathy. Identifiers: Orphanet 217604, MedGen C0007193, MeSH D002311, MONDO:0005021, HP:0001644. Inheritance: Various modes of inheritance.

Submission:

Laboratory for Molecular Medicine, Mass General Brigham Personalized Medicine
Classification: Likely pathogenic for Primary dilated cardiomyopathy. Last evaluated: 2022-06-06. Review status: criteria provided, single submitter. Criteria: ACMG Guidelines, 2015. Collection method: clinical testing. Allele origin: germline.
Comment: It was absent in large population studies. Computational prediction tools and conservation analyses suggest that this variant may impact the protein. This variant lies in the head region of the protein and missense variants in this region are statistically more likely to be disease-associated (Walsh 2017 PMID: 27532257). In summary, although additional studies are required to fully establish its clinical significance, this variant meets criteria to be classified as likely pathogenic for autosomal dominant dilated cardiomyopathy. ACMG/AMP Criteria applied: PM6, PM2_Suporting, PP3, PM1.

Literature cited by the submitters: PubMed 21310275; PubMed 27532257.